The following is an entry in ClinVar:

NM_032043.3(BRIP1):c.2640del (p.Leu881fs)

Gene: BRIP1 (BRCA1 interacting DNA helicase 1; minus strand). Cytogenetic location: 17q23.2.
Variant type: Deletion.
Coding change: c.2640del on transcript NM_032043.3 (MANE Select); coding-DNA position 2640, one base deleted (C; older notation c.2640delC).
Protein change: p.Leu881fs; shifts the reading frame from leucine 881.
Molecular consequence: frameshift variant.
Genome position (GRCh38, 1-based): chr17:61,686,101, G deleted on the plus strand (C on the coding strand, the reverse complement: BRIP1 is on the minus strand); the first of 2 consecutive G bases (chr17:61,686,101-61,686,102); deleting either gives the same sequence. VCF-style (leftmost placement, unchanged base first): chr17-61686100-AG-A. GRCh37 (hg19) VCF-style: chr17-59763461-AG-A.
Other names: c.2640delC (NM_032043.2); short protein forms L881fs.
Identifiers: ClinVar variation 581706 (VCV000581706.9), dbSNP rs1567731917, ClinGen allele CA891843745.

ClinVar aggregate classification (germline): Pathogenic. Review status: criteria provided, multiple submitters, no conflicts (2 of 4 stars). 3 submissions from 3 submitters: Pathogenic (3). Last evaluated 2024-08-23.

Conditions:
Familial cancer of breast. Also called: hereditary breast carcinoma; BREAST CANCER, FAMILIAL; Hereditary breast cancer. Identifiers: Orphanet 227535, MedGen C0346153, MONDO:0016419, OMIM 114480. Disease mechanism: loss of function.
Hereditary cancer-predisposing syndrome. Also called: Neoplastic Syndromes, Hereditary; Hereditary Cancer Syndrome; Tumor predisposition; Hereditary neoplastic syndrome. Identifiers: Orphanet 140162, MedGen C0027672, MeSH D009386, MONDO:0015356.
Fanconi anemia complementation group J. Also called: BRIP1-Related Fanconi Anemia. Identifiers: Orphanet 84, MedGen C1836860, MONDO:0012187, OMIM 609054.

Submissions (3):

Ambry Genetics
Classification: Pathogenic for Hereditary cancer-predisposing syndrome. Last evaluated: 2024-08-23. Review status: criteria provided, single submitter. Criteria: Ambry Variant Classification Scheme 2023. Collection method: clinical testing. Allele origin: germline.
Comment: The c.2640delC pathogenic mutation, located in coding exon 18 of the BRIP1 gene, results from a deletion of one nucleotide at nucleotide position 2640, causing a translational frameshift with a predicted alternate stop codon (p.L881Wfs*16). This variant is considered to be rare based on population cohorts in the Genome Aggregation Database (gnomAD). This alteration is expected to result in loss of function by premature protein truncation or nonsense-mediated mRNA decay. As such, this alteration is interpreted as a disease-causing mutation.

Myriad Genetics, Inc.
Classification: Pathogenic for Familial cancer of breast. Last evaluated: 2024-07-10. Review status: criteria provided, single submitter. Criteria: Myriad Autosomal Dominant, Autosomal Recessive and X-Linked Classification Criteria (2023). Collection method: clinical testing. Allele origin: unknown.
Comment: This variant is considered pathogenic. This variant creates a frameshift predicted to result in premature protein truncation.

Labcorp Genetics (formerly Invitae), Labcorp
Classification: Pathogenic for Familial cancer of breast; Fanconi anemia complementation group J. Last evaluated: 2018-05-02. Review status: criteria provided, single submitter. Criteria: Invitae Variant Classification Sherloc (09022015). Collection method: clinical testing. Allele origin: germline.
Comment: This sequence change creates a premature translational stop signal (p.Leu881Trpfs*16) in the BRIP1 gene. It is expected to result in an absent or disrupted protein product. This variant is not present in population databases (ExAC no frequency). For these reasons, this variant has been classified as Pathogenic. Loss-of-function variants in BRIP1 are known to be pathogenic (PMID: 16116423, 17033622, 21964575). This variant has not been reported in the literature in individuals with BRIP1-related disease.

Literature cited by the submitters: PubMed 16116423 (cited by Labcorp Genetics (formerly Invitae), Labcorp); PubMed 17033622 (cited by Labcorp Genetics (formerly Invitae), Labcorp); PubMed 21964575 (cited by Labcorp Genetics (formerly Invitae), Labcorp).